The following is an entry in ClinVar:

ClinVar aggregate classification (germline): Uncertain significance (1 of 4 stars; one submission).

Conditions:
Congenital myasthenic syndrome 12 (CMS12). Also called: MYASTHENIC SYNDROME, CONGENITAL, WITH TUBULAR AGGREGATES 1; Myasthenia, congenital, 12, with tubular aggregates. Identifiers: Orphanet 353327, Orphanet 590, MedGen C3552335, MONDO:0012518, OMIM 610542.

Allele frequency attached by ClinVar (database versions not stated): gnomAD exomes below 0.00001; gnomAD 0.00002; TOPMed 0.00003.
gnomAD v4.1: 5 of 1,592,580 alleles (0.00031%); highest among the groups gnomAD compares: Non-Finnish European, 0.00043%; no homozygotes.

Submission:

Labcorp Genetics (formerly Invitae), Labcorp
Classification: Uncertain significance for Congenital myasthenic syndrome 12. Last evaluated: 2021-11-29. Review status: criteria provided, single submitter. Criteria: Invitae Variant Classification Sherloc (09022015). Collection method: clinical testing. Allele origin: germline.
Comment: In summary, the available evidence is currently insufficient to determine the role of this variant in disease. Therefore, it has been classified as a Variant of Uncertain Significance. Algorithms developed to predict the effect of missense changes on protein structure and function are either unavailable or do not agree on the potential impact of this missense change (SIFT: "Deleterious"; PolyPhen-2: "Benign"; Align-GVGD: "Class C0"). This variant has not been reported in the literature in individuals affected with GFPT1-related conditions. This variant is present in population databases (no rsID available, gnomAD 0.001%). This sequence change replaces phenylalanine, which is neutral and non-polar, with valine, which is neutral and non-polar, at codon 237 of the GFPT1 protein (p.Phe237Val).

NM_001244710.2(GFPT1):c.709T>G (p.Phe237Val)

Gene: GFPT1 (glutamine--fructose-6-phosphate transaminase 1; minus strand). Cytogenetic location: 2p13.3.
Variant type: single nucleotide variant.
Coding change: c.709T>G on transcript NM_001244710.2 (MANE Select); coding-DNA position 709, T replaced by G.
Protein change: p.Phe237Val; replaces phenylalanine 237 with valine.
Molecular consequence: missense variant. On other transcripts: intron variant (1).
Genome position (GRCh38, 1-based): chr2:69,354,289, A>C on the plus strand (T>G on the coding strand, the complement: GFPT1 is on the minus strand). VCF-style: chr2-69354289-A-C. GRCh37 (hg19) VCF-style: chr2-69581421-A-C.
Other names: c.685+200T>G (NM_002056.4); short protein forms F237V.
Identifiers: ClinVar variation 1466658 (VCV001466658.4), dbSNP rs1463544616, ClinGen allele CA347129646.